The following is an entry in ClinVar:

ClinVar aggregate classification (germline): Conflicting classifications of pathogenicity. Review status: criteria provided, conflicting classifications (1 of 4 stars). 4 submissions from 4 submitters: Uncertain significance (3); Likely benign (1). Last evaluated 2023-05-04.

Conditions:
Hereditary cancer-predisposing syndrome. Also called: Neoplastic Syndromes, Hereditary; Hereditary neoplastic syndrome; Tumor predisposition; Hereditary Cancer Syndrome. Identifiers: Orphanet 140162, MedGen C0027672, MeSH D009386, MONDO:0015356.
Microcephaly, normal intelligence and immunodeficiency (NBS). Also called: BERLIN BREAKAGE SYNDROME; Immunodeficiency, microcephaly with normal intelligence; Nijmegen breakage syndrome; Microcephaly with normal intelligence immunodeficiency and lymphoreticular malignancies; Nonsyndromal microcephaly autosomal recessive with normal intelligence; Seemanova syndrome 2. Identifiers: Orphanet 647, MedGen C0398791, MONDO:0009623, OMIM 251260.

Allele frequency attached by ClinVar (database versions not stated): gnomAD exomes below 0.00001; ExAC 0.00001.

Submissions (4):

Labcorp Genetics (formerly Invitae), Labcorp
Classification: Uncertain significance for Microcephaly, normal intelligence and immunodeficiency. Last evaluated: 2023-05-04. Review status: criteria provided, single submitter. Criteria: Invitae Variant Classification Sherloc (09022015). Collection method: clinical testing. Allele origin: germline.
Comment: Variants that disrupt the consensus splice site are a relatively common cause of aberrant splicing (PMID: 17576681, 9536098). Algorithms developed to predict the effect of sequence changes on RNA splicing suggest that this variant is not likely to affect RNA splicing. In summary, the available evidence is currently insufficient to determine the role of this variant in disease. Therefore, it has been classified as a Variant of Uncertain Significance. ClinVar contains an entry for this variant (Variation ID: 389607). This variant has not been reported in the literature in individuals affected with NBN-related conditions. This variant is present in population databases (rs770699381, gnomAD 0.006%). This sequence change falls in intron 10 of the NBN gene. It does not directly change the encoded amino acid sequence of the NBN protein. It affects a nucleotide within the consensus splice site.

Genome-Nilou Lab
Classification: Uncertain significance for Microcephaly, normal intelligence and immunodeficiency. Last evaluated: 2021-11-07. Review status: criteria provided, single submitter. Criteria: ACMG Guidelines, 2015. Collection method: clinical testing. Allele origin: germline. Affected: no.

Ambry Genetics
Classification: Uncertain significance for Hereditary cancer-predisposing syndrome. Last evaluated: 2019-06-06. Review status: criteria provided, single submitter. Criteria: Ambry Variant Classification Scheme 2023. Collection method: clinical testing. Allele origin: germline.
Comment: The c.1397+4T>C intronic variant results from a T to C substitution 4 nucleotides after coding exon 10 in the NBN gene. This nucleotide position is not well conserved in available vertebrate species. Using the BDGP and ESEfinder splice site prediction tools, this alteration is not predicted to have any significant effect on this splice donor site; however, direct evidence is unavailable. Since supporting evidence is limited at this time, the clinical significance of this alteration remains unclear.

GeneDx
Classification: Likely benign. Last evaluated: 2016-09-26. Review status: criteria provided, single submitter. Criteria: GeneDx Variant Classification (06012015). Collection method: clinical testing. Allele origin: germline. Affected: yes.
Comment: This variant is considered likely benign or benign based on one or more of the following criteria: it is a conservative change, it occurs at a poorly conserved position in the protein, it is predicted to be benign by multiple in silico algorithms, and/or has population frequency not consistent with disease.

Literature cited by the submitters: PubMed 17576681 (cited by Labcorp Genetics (formerly Invitae), Labcorp); PubMed 9536098 (cited by Labcorp Genetics (formerly Invitae), Labcorp).

NM_002485.5(NBN):c.1397+4T>C

Gene: NBN (nibrin; minus strand). Cytogenetic location: 8q21.3.
Variant type: single nucleotide variant.
Coding change: c.1397+4T>C on transcript NM_002485.5 (MANE Select); 4 bases into the intron after coding-DNA position 1397, T replaced by C.
Molecular consequence: intron variant.
Genome position (GRCh38, 1-based): chr8:89,955,279, A>G on the plus strand (T>C on the coding strand, the complement: NBN is on the minus strand). VCF-style: chr8-89955279-A-G. GRCh37 (hg19) VCF-style: chr8-90967507-A-G.
Other names: c.1151+4T>C (NM_001024688.3).
Identifiers: ClinVar variation 389607 (VCV000389607.16), dbSNP rs770699381, ClinGen allele CA4802756.
Genomic context (GRCh38, chr8:89,955,279, plus strand): 5'-TACAACAGTATAAAAAACTTTCATTTTTTTTTCAGAGACATGAGAGAAGTTATCAAAAAC[A>G]GACCTTTTTTTGGTAGACGGCTGAAAGTAGTTTCTGATGGAGTTGGTCTGCTGCTGCTGA-3'